The following is an entry in ClinVar:

ClinVar aggregate classification (germline): Uncertain significance (1 of 4 stars; one submission).

Conditions:
EGFR-related lung cancer (EGFR). Identifiers: MedGen CN130014.

Submission:

Labcorp Genetics (formerly Invitae), Labcorp
Classification: Uncertain significance for EGFR-related lung cancer. Last evaluated: 2021-10-06. Review status: criteria provided, single submitter. Criteria: Invitae Variant Classification Sherloc (09022015). Collection method: clinical testing. Allele origin: germline.
Comment: This sequence change replaces isoleucine with phenylalanine at codon 715 of the EGFR protein (p.Ile715Phe). The isoleucine residue is moderately conserved and there is a small physicochemical difference between isoleucine and phenylalanine. This variant is not present in population databases (ExAC no frequency). This variant has not been reported in the literature in individuals affected with EGFR-related conditions. Algorithms developed to predict the effect of missense changes on protein structure and function (SIFT, PolyPhen-2, Align-GVGD) all suggest that this variant is likely to be tolerated. In summary, the available evidence is currently insufficient to determine the role of this variant in disease. Therefore, it has been classified as a Variant of Uncertain Significance.

NM_005228.5(EGFR):c.2143A>T (p.Ile715Phe)

Gene: EGFR (epidermal growth factor receptor; plus strand). Cytogenetic location: 7p11.2.
Variant type: single nucleotide variant.
Coding change: c.2143A>T on transcript NM_005228.5 (MANE Select); coding-DNA position 2143, A replaced by T.
Protein change: p.Ile715Phe; replaces isoleucine 715 with phenylalanine.
Molecular consequence: missense variant.
Genome position (GRCh38, 1-based): chr7:55,174,002, A>T. VCF-style: chr7-55174002-A-T. GRCh37 (hg19) VCF-style: chr7-55241695-A-T.
Other names: c.2008A>T, p.Ile670Phe (NM_001346897.2, NM_001346899.2); c.2143A>T, p.Ile715Phe (NM_001346898.2); c.1984A>T, p.Ile662Phe (NM_001346900.2); c.1342A>T, p.Ile448Phe (NM_001346941.2); short protein forms I448F, I662F, I670F, I715F.
Identifiers: ClinVar variation 1442427 (VCV001442427.6), dbSNP rs2128953692, ClinGen allele CA367583699.